The following is an entry in ClinVar:

ClinVar aggregate classification (germline): Uncertain significance (1 of 4 stars; one submission).

Submission:

GeneDx
Classification: Uncertain significance. Last evaluated: 2025-05-28. Review status: criteria provided, single submitter. Criteria: GeneDx Variant Classification Process June 2021. Collection method: clinical testing. Allele origin: germline. Affected: yes.
Comment: Not observed at significant frequency in large population cohorts (gnomAD); In silico analysis supports that this missense variant has a deleterious effect on protein structure/function; Has not been previously published as pathogenic or benign to our knowledge

NM_000829.4(GRIA4):c.869C>A (p.Ser290Tyr)

Gene: GRIA4 (glutamate ionotropic receptor AMPA type subunit 4; plus strand). Cytogenetic location: 11q22.3.
Variant type: single nucleotide variant.
Coding change: c.869C>A on transcript NM_000829.4 (MANE Select); coding-DNA position 869, C replaced by A.
Protein change: p.Ser290Tyr; replaces serine 290 with tyrosine.
Molecular consequence: missense variant. On other transcripts: non-coding transcript variant (1).
Genome position (GRCh38, 1-based): chr11:105,898,411, C>A. VCF-style: chr11-105898411-C-A. GRCh37 (hg19) VCF-style: chr11-105769137-C-A.
Other names: c.869C>A, p.Ser290Tyr (NM_001077243.3, NM_001077244.2, NM_001112812.2 and 20 more transcripts); short protein forms S290Y.
Identifiers: ClinVar variation 4532707 (VCV004532707.1).